The following is an entry in ClinVar:

NM_018706.7(DHTKD1):c.1508T>C (p.Leu503Pro)

Gene: DHTKD1 (dehydrogenase E1 and transketolase domain containing 1; plus strand). Cytogenetic location: 10p14.
Variant type: single nucleotide variant.
Coding change: c.1508T>C on transcript NM_018706.7 (MANE Select); coding-DNA position 1508, T replaced by C.
Protein change: p.Leu503Pro; replaces leucine 503 with proline.
Molecular consequence: missense variant.
Genome position (GRCh38, 1-based): chr10:12,097,833, T>C. VCF-style: chr10-12097833-T-C. GRCh37 (hg19) VCF-style: chr10-12139832-T-C.
Other names: short protein forms L503P.
Identifiers: ClinVar variation 1163328 (VCV001163328.10), dbSNP rs1833095845, ClinGen allele CA376021444.
Genomic context (GRCh38, chr10:12,097,833, plus strand): 5'-CCTACTATGCCAAGTTGAATGATCACTTAAATAACATGGCCCACTACAGGCCCCCTGCCC[T>C]GAACCTGCAGGCCCACTGGCAGGGCCTGGCTCAGCCAGAAGCGCAAATCACCACCTGGAG-3'
Protein context (NP_061176.4, residues 493-513): NNMAHYRPPA[Leu503Pro]NLQAHWQGLA

ClinVar aggregate classification (germline): Uncertain significance. Review status: criteria provided, multiple submitters, no conflicts (2 of 4 stars). 2 submissions from 2 submitters: Uncertain significance (2). Last evaluated 2021-12-29.

Conditions:
2-aminoadipic 2-oxoadipic aciduria (AAKAD). Also called: ALPHA-AMINOADIPIC AND ALPHA-KETOADIPIC ACIDURIA; Aminoadipic aciduria. Identifiers: Orphanet 79154, MedGen C1859817, MONDO:0008774, OMIM 204750.

Allele frequency attached by ClinVar (database versions not stated): gnomAD exomes below 0.00001; TOPMed below 0.00001.
gnomAD v4.1: 2 of 1,614,208 alleles (0.00012%); highest among the groups gnomAD compares: Non-Finnish European, 0.000085%; no homozygotes.

Submissions (2):

Labcorp Genetics (formerly Invitae), Labcorp
Classification: Uncertain significance for 2-aminoadipic 2-oxoadipic aciduria. Last evaluated: 2021-12-29. Review status: criteria provided, single submitter. Criteria: Invitae Variant Classification Sherloc (09022015). Collection method: clinical testing. Allele origin: germline.
Comment: In summary, the available evidence is currently insufficient to determine the role of this variant in disease. Therefore, it has been classified as a Variant of Uncertain Significance. Algorithms developed to predict the effect of missense changes on protein structure and function (SIFT, PolyPhen-2, Align-GVGD) all suggest that this variant is likely to be tolerated. ClinVar contains an entry for this variant (Variation ID: 1163328). This variant has not been reported in the literature in individuals affected with DHTKD1-related conditions. This variant is not present in population databases (gnomAD no frequency). This sequence change replaces leucine, which is neutral and non-polar, with proline, which is neutral and non-polar, at codon 503 of the DHTKD1 protein (p.Leu503Pro).

Mayo Clinic Laboratories, Mayo Clinic
Classification: Uncertain significance. Last evaluated: 2019-08-05. Review status: criteria provided, single submitter. Criteria: ACMG Guidelines, 2015. Collection method: clinical testing. Allele origin: germline. Observed: 1 variant allele.